The following is an entry in ClinVar:

ClinVar aggregate classification (germline): Uncertain significance (1 of 4 stars; one submission).

Submission:

Dasa
Classification: Uncertain significance. Last evaluated: 2024-12-05. Review status: criteria provided, single submitter. Criteria: DASA Assertion Criteria. Collection method: clinical testing. Allele origin: germline.
Comment: NM_024757.5(EHMT1):c.195T>G (p.Ser65Arg) is a missense variant that results in the substitution of serine with arginine. This variant is absent from population databases. Computational prediction algorithms are consistent with a benign effect. The currently available literature and clinical evidence are not sufficient to establish a definitive association between this variant and the reported condition. Therefore, this variant is classified as a variant of uncertain significance.

NM_024757.5(EHMT1):c.195T>G (p.Ser65Arg)

Gene: EHMT1 (euchromatic histone lysine methyltransferase 1; plus strand). Cytogenetic location: 9q34.3.
Variant type: single nucleotide variant.
Coding change: c.195T>G on transcript NM_024757.5 (MANE Select); coding-DNA position 195, T replaced by G.
Protein change: p.Ser65Arg; replaces serine 65 with arginine.
Molecular consequence: missense variant.
Genome position (GRCh38, 1-based): chr9:137,716,735, T>G. VCF-style: chr9-137716735-T-G. GRCh37 (hg19) VCF-style: chr9-140611187-T-G.
Other names: c.195T>G, p.Ser65Arg (NM_001145527.2, NM_001354263.2, NM_001354611.2); c.102T>G, p.Ser34Arg (NM_001354259.2, NM_001354612.2); short protein forms S34R, S65R.
Identifiers: ClinVar variation 4881557 (VCV004881557.2).